The following is an entry in ClinVar:

ClinVar aggregate classification (germline): Uncertain significance. Review status: criteria provided, single submitter (1 of 4 stars). 2 submissions from 2 submitters: Uncertain significance (1). 1 of the submissions does not count toward it. Last evaluated 2022-03-10.

Conditions:
Achromatopsia. Also called: Rod monochromatism. Identifiers: Orphanet 49382, MedGen C0152200, MONDO:0018852, HP:0011516.

Allele frequency attached by ClinVar (database versions not stated): gnomAD exomes below 0.00001 and 0.00001; gnomAD 0.00001; ExAC 0.00003.
gnomAD v4.1: 7 of 1,601,914 alleles (0.00044%); highest among the groups gnomAD compares: African/African-American, 0.0027%; no homozygotes.

Submissions (2):

Labcorp Genetics (formerly Invitae), Labcorp
Classification: Uncertain significance. Last evaluated: 2022-03-10. Review status: criteria provided, single submitter. Criteria: Invitae Variant Classification Sherloc (09022015). Collection method: clinical testing. Allele origin: germline.
Comment: This sequence change replaces glutamine, which is neutral and polar, with arginine, which is basic and polar, at codon 727 of the CNGB3 protein (p.Gln727Arg). The frequency data for this variant in the population databases is considered unreliable, as metrics indicate poor data quality at this position in the gnomAD database. This variant has not been reported in the literature in individuals affected with CNGB3-related conditions. ClinVar contains an entry for this variant (Variation ID: 1053505). Advanced modeling of protein sequence and biophysical properties (such as structural, functional, and spatial information, amino acid conservation, physicochemical variation, residue mobility, and thermodynamic stability) performed at Invitae indicates that this missense variant is not expected to disrupt CNGB3 protein function. In summary, the available evidence is currently insufficient to determine the role of this variant in disease. Therefore, it has been classified as a Variant of Uncertain Significance.

Natera, Inc.
Classification: Uncertain significance for Achromatopsia. Last evaluated: 2020-06-09. Review status: no assertion criteria provided. Collection method: clinical testing. Allele origin: germline. Not counted in ClinVar's aggregate classification.

NM_019098.5(CNGB3):c.2180A>G (p.Gln727Arg)

Gene: CNGB3 (cyclic nucleotide gated channel subunit beta 3; minus strand). Cytogenetic location: 8q21.3.
Variant type: single nucleotide variant.
Coding change: c.2180A>G on transcript NM_019098.5 (MANE Select); coding-DNA position 2180, A replaced by G.
Protein change: p.Gln727Arg; replaces glutamine 727 with arginine.
Molecular consequence: missense variant.
Genome position (GRCh38, 1-based): chr8:86,576,054, T>C on the plus strand (A>G on the coding strand, the complement: CNGB3 is on the minus strand). VCF-style: chr8-86576054-T-C. GRCh37 (hg19) VCF-style: chr8-87588282-T-C.
Other names: short protein forms Q727R.
Identifiers: ClinVar variation 1053505 (VCV001053505.3), dbSNP rs758606162, ClinGen allele CA4799779.